The following is an entry in ClinVar:

NM_024675.4(PALB2):c.111T>C (p.Arg37=)

Gene: PALB2 (partner and localizer of BRCA2; minus strand). Cytogenetic location: 16p12.2.
Variant type: single nucleotide variant.
Coding change: c.111T>C on transcript NM_024675.4 (MANE Select); coding-DNA position 111, T replaced by C.
Protein change: p.Arg37=; no amino-acid change (arginine 37 retained).
Molecular consequence: synonymous variant.
Genome position (GRCh38, 1-based): chr16:23,637,950, A>G on the plus strand (T>C on the coding strand, the complement: PALB2 is on the minus strand). VCF-style: chr16-23637950-A-G. GRCh37 (hg19) VCF-style: chr16-23649271-A-G.
Identifiers: ClinVar variation 484168 (VCV000484168.17), dbSNP rs1555462089, ClinGen allele CA494167825.
Genomic context (GRCh38, chr16:23,637,950, plus strand): 5'-ACAATCTTGTTCTTCTACTGTTTTCTTAATAGAATGCTTAATCTTTTCAGCTCTTTGGGC[A>G]CGCTAGAGGAGACAAAAACAGCCCCAGAAATACGTTTTCTTTAAAGTTTTATAGAGTCAA-3'
Protein context (NP_078951.2, residues 27-47): EYSKTLARLQ[Arg37=]AQRAEKIKHS

ClinVar aggregate classification (germline): Benign/Likely benign. Review status: criteria provided, multiple submitters, no conflicts (2 of 4 stars). 4 submissions from 4 submitters: Benign (1); Likely benign (3). Last evaluated 2025-08-09.

Conditions:
Hereditary cancer-predisposing syndrome. Also called: Neoplastic Syndromes, Hereditary; Tumor predisposition; Hereditary Cancer Syndrome; Hereditary neoplastic syndrome. Identifiers: Orphanet 140162, MedGen C0027672, MeSH D009386, MONDO:0015356.
Familial cancer of breast. Also called: BREAST CANCER, FAMILIAL; Hereditary breast cancer; hereditary breast carcinoma. Identifiers: Orphanet 227535, MedGen C0346153, MONDO:0016419, OMIM 114480. Disease mechanism: loss of function.

Allele frequency attached by ClinVar (database versions not stated): gnomAD exomes below 0.00001.
gnomAD v4.1: 2 of 1,613,332 alleles (0.00012%); highest among the groups gnomAD compares: Non-Finnish European, 0.00017%; no homozygotes.

Submissions (4):

Labcorp Genetics (formerly Invitae), Labcorp
Classification: Likely benign for Familial cancer of breast. Last evaluated: 2025-08-09. Review status: criteria provided, single submitter. Criteria: Invitae Variant Classification Sherloc (09022015). Collection method: clinical testing. Allele origin: germline.

Myriad Genetics, Inc.
Classification: Benign for Familial cancer of breast. Last evaluated: 2025-01-09. Review status: criteria provided, single submitter. Criteria: Myriad Autosomal Dominant, Autosomal Recessive and X-Linked Classification Criteria (2023). Collection method: clinical testing. Allele origin: unknown.
Comment: This variant is considered benign. This variant is a silent/synonymous amino acid change and it is not expected to impact splicing.

Color Diagnostics, LLC DBA Color Health
Classification: Likely benign for Hereditary cancer-predisposing syndrome. Last evaluated: 2019-11-20. Review status: criteria provided, single submitter. Criteria: ACMG Guidelines, 2015. Collection method: clinical testing. Allele origin: germline.

Ambry Genetics
Classification: Likely benign for Hereditary cancer-predisposing syndrome. Last evaluated: 2015-11-27. Review status: criteria provided, single submitter. Criteria: Ambry Variant Classification Scheme 2023. Collection method: clinical testing. Allele origin: germline.